The following is an entry in ClinVar:

ClinVar aggregate classification (germline): Uncertain significance (1 of 4 stars; one submission).

Conditions:
Inborn genetic diseases. Identifiers: MedGen C0950123, MeSH D030342.

Submission:

Ambry Genetics
Classification: Uncertain significance for Inborn genetic diseases. Last evaluated: 2025-07-22. Review status: criteria provided, single submitter. Criteria: Ambry Variant Classification Scheme 2023. Collection method: clinical testing. Allele origin: germline.
Comment: The p.G155S variant (also known as c.463G>A), located in coding exon 3 of the MECOM gene, results from a G to A substitution at nucleotide position 463. The glycine at codon 155 is replaced by serine, an amino acid with similar properties. This amino acid position is conserved. In addition, this alteration is predicted to be tolerated by in silico analysis. Based on the available evidence, the clinical significance of this variant remains unclear.

NM_004991.4(MECOM):c.463G>A (p.Gly155Ser)

Gene: MECOM (MDS1 and EVI1 complex locus; minus strand). Cytogenetic location: 3q26.2.
Variant type: single nucleotide variant.
Coding change: c.463G>A on transcript NM_004991.4 (MANE Select); coding-DNA position 463, G replaced by A.
Protein change: p.Gly155Ser; replaces glycine 155 with serine.
Molecular consequence: missense variant. On other transcripts: 5 prime UTR variant (12).
Genome position (GRCh38, 1-based): chr3:169,143,745, C>T on the plus strand (G>A on the coding strand, the complement: MECOM is on the minus strand). VCF-style: chr3-169143745-C-T. GRCh37 (hg19) VCF-style: chr3-168861533-C-T.
Other names: c.91G>A, p.Gly31Ser (NM_001105077.4); c.-102G>A (NM_001105078.4, NM_001163999.2, NM_001164000.2 and 9 more transcripts); c.463G>A, p.Gly155Ser (NM_001366466.2, NM_001366473.2); short protein forms G155S, G31S.
Identifiers: ClinVar variation 4105791 (VCV004105791.1).